The following is an entry in ClinVar:

NM_016734.3(PAX5):c.1109_1110inv (p.Tyr370Cys)

Gene: PAX5 (paired box 5; minus strand). Cytogenetic location: 9p13.2.
Variant type: Inversion.
Coding change: c.1109_1110inv on transcript NM_016734.3 (MANE Select).
Protein change: p.Tyr370Cys; replaces tyrosine 370 with cysteine.
Molecular consequence: missense variant. On other transcripts: non-coding transcript variant (2).
Genome position: GRCh38 VCF-style: chr9-36840626-GT-AC. GRCh37 (hg19) VCF-style: chr9-36840623-GT-AC.
Other names: c.1007_1008inv, p.Tyr336Cys (NM_001280547.2); c.1022_1023inv, p.Tyr341Cys (NM_001280548.2); c.877_878inv, p.Thr293Val (NM_001280549.2); c.790_791inv, p.Thr264Val (NM_001280550.2); c.596_597inv, p.Tyr199Cys (NM_001280551.2); c.920_921inv, p.Tyr307Cys (NM_001280552.2); c.893_894inv, p.Tyr298Cys (NM_001280553.2); c.980_981inv, p.Tyr327Cys (NM_001280554.2); and 2 more; short protein forms Y270C, Y298C, Y341C, T264V, Y327C, T293V, Y199C, Y370C.
Identifiers: ClinVar variation 3677958 (VCV003677958.2).

ClinVar aggregate classification (germline): Uncertain significance (1 of 4 stars; one submission).

Submission:

Labcorp Genetics (formerly Invitae), Labcorp
Classification: Uncertain significance. Last evaluated: 2025-02-02. Review status: criteria provided, single submitter. Criteria: Invitae Variant Classification Sherloc (09022015). Collection method: clinical testing. Allele origin: germline.
Comment: This sequence change replaces tyrosine, which is neutral and polar, with cysteine, which is neutral and slightly polar, at codon 370 of the PAX5 protein (p.Tyr370Cys). The frequency data for this variant in the population databases is considered unreliable, as metrics indicate poor data quality at this position in the gnomAD database. This variant has not been reported in the literature in individuals affected with PAX5-related conditions. An algorithm developed to predict the effect of missense changes on protein structure and function (PolyPhen-2) suggests that this variant is likely to be disruptive. In summary, the available evidence is currently insufficient to determine the role of this variant in disease. Therefore, it has been classified as a Variant of Uncertain Significance.